The following is an entry in ClinVar:

ClinVar aggregate classification (germline): Pathogenic (1 of 4 stars; one submission).

Conditions:
Symmetrical dyschromatosis of extremities (DSH). Also called: DYSCHROMATOSIS SYMMETRICA HEREDITARIA 1; Dyschromatosis symmetrica hereditaria; RETICULATE ACROPIGMENTATION OF DOHI; SYMMETRIC DYSCHROMATOSIS OF THE EXTREMITIES. Identifiers: Orphanet 41, MedGen C0406775, MONDO:0007483, OMIM 127400.
Aicardi-Goutieres syndrome 6 (AGS6). Identifiers: Orphanet 51, MedGen C3539013, MONDO:0014007, OMIM 615010.

Submission:

Labcorp Genetics (formerly Invitae), Labcorp
Classification: Pathogenic for Aicardi-Goutieres syndrome 6; Symmetrical dyschromatosis of extremities. Last evaluated: 2022-08-19. Review status: criteria provided, single submitter. Criteria: Invitae Variant Classification Sherloc (09022015). Collection method: clinical testing. Allele origin: germline.
Comment: For these reasons, this variant has been classified as Pathogenic. This variant has not been reported in the literature in individuals affected with ADAR-related conditions. This variant is not present in population databases (gnomAD no frequency). This sequence change creates a premature translational stop signal (p.Ser217Lysfs*27) in the ADAR gene. It is expected to result in an absent or disrupted protein product. Loss-of-function variants in ADAR are known to be pathogenic (PMID: 22974014).

Literature cited by the submitters: PubMed 22974014.

NM_001111.5(ADAR):c.649dup (p.Ser217fs)

Gene: ADAR (adenosine deaminase RNA specific; minus strand). Cytogenetic location: 1q21.3.
Variant type: Duplication.
Coding change: c.649dup on transcript NM_001111.5 (MANE Select); coding-DNA position 649, one base duplicated (A; older notation c.649dupA).
Protein change: p.Ser217fs; shifts the reading frame from serine 217.
Molecular consequence: frameshift variant. On other transcripts: 5 prime UTR variant (6).
Genome position (GRCh38, 1-based): chr1:154,601,993, T duplicated on the plus strand (A on the coding strand, the reverse complement: ADAR is on the minus strand). VCF-style (leftmost placement, unchanged base first): chr1-154601992-C-CT. GRCh37 (hg19) VCF-style: chr1-154574468-C-CT.
Other names: c.-237dup (NM_001025107.3, NM_001193495.2, NM_001365046.1 and 3 more transcripts); c.676dup, p.Ser226fs (NM_001365045.1); c.649dup, p.Ser217fs (NM_015840.4, NM_015841.4); short protein forms S217fs, S226fs.
Identifiers: ClinVar variation 1993678 (VCV001993678.4), dbSNP rs2526661759, ClinGen allele CA2580061188.